The following is an entry in ClinVar:

ClinVar aggregate classification (germline): Uncertain significance (1 of 4 stars; one submission).

Conditions:
Dilated cardiomyopathy 2B. Identifiers: Orphanet 154, MedGen C3553409, MONDO:0013848, OMIM 614672.

Allele frequency attached by ClinVar (database versions not stated): gnomAD exomes 0.00001.
gnomAD v4.1: 7 of 1,611,188 alleles (0.00043%); highest among the groups gnomAD compares: Non-Finnish European, 0.00051%; no homozygotes.

Submission:

Labcorp Genetics (formerly Invitae), Labcorp
Classification: Uncertain significance for Dilated cardiomyopathy 2B. Last evaluated: 2023-12-13. Review status: criteria provided, single submitter. Criteria: Invitae Variant Classification Sherloc (09022015). Collection method: clinical testing. Allele origin: germline.
Comment: This sequence change replaces serine, which is neutral and polar, with leucine, which is neutral and non-polar, at codon 264 of the GATAD1 protein (p.Ser264Leu). This variant is not present in population databases (gnomAD no frequency). This variant has not been reported in the literature in individuals affected with GATAD1-related conditions. An algorithm developed to predict the effect of missense changes on protein structure and function (PolyPhen-2) suggests that this variant is likely to be tolerated. In summary, the available evidence is currently insufficient to determine the role of this variant in disease. Therefore, it has been classified as a Variant of Uncertain Significance.

NM_021167.5(GATAD1):c.791C>T (p.Ser264Leu)

Gene: GATAD1 (GATA zinc finger domain containing 1; plus strand). Cytogenetic location: 7q21.2.
Variant type: single nucleotide variant.
Coding change: c.791C>T on transcript NM_021167.5 (MANE Select); coding-DNA position 791, C replaced by T.
Protein change: p.Ser264Leu; replaces serine 264 with leucine.
Molecular consequence: missense variant. On other transcripts: non-coding transcript variant (1).
Genome position (GRCh38, 1-based): chr7:92,456,543, C>T. VCF-style: chr7-92456543-C-T. GRCh37 (hg19) VCF-style: chr7-92085857-C-T.
Other names: short protein forms S264L.
Identifiers: ClinVar variation 2784493 (VCV002784493.3), dbSNP rs2484541586, ClinGen allele CA368163127.